The following is an entry in ClinVar:

ClinVar aggregate classification (germline): Uncertain significance (1 of 4 stars; one submission).

Conditions:
Inborn genetic diseases. Identifiers: MedGen C0950123, MeSH D030342.

Submission:

Ambry Genetics
Classification: Uncertain significance for Inborn genetic diseases. Last evaluated: 2025-04-06. Review status: criteria provided, single submitter. Criteria: Ambry Variant Classification Scheme 2023. Collection method: clinical testing. Allele origin: germline.
Comment: The p.L472V variant (also known as c.1414C>G), located in coding exon 8 of the RUNX1 gene, results from a C to G substitution at nucleotide position 1414. The leucine at codon 472 is replaced by valine, an amino acid with highly similar properties. This amino acid position is conserved. In addition, this alteration is predicted to be tolerated by in silico analysis. Based on the available evidence, the clinical significance of this variant remains unclear.

NM_001754.5(RUNX1):c.1414C>G (p.Leu472Val)

Gene: RUNX1 (RUNX family transcription factor 1; minus strand). Cytogenetic location: 21q22.12.
Variant type: single nucleotide variant.
Coding change: c.1414C>G on transcript NM_001754.5 (MANE Select); coding-DNA position 1414, C replaced by G.
Protein change: p.Leu472Val; replaces leucine 472 with valine.
Molecular consequence: missense variant.
Genome position (GRCh38, 1-based): chr21:34,792,164, G>C on the plus strand (C>G on the coding strand, the complement: RUNX1 is on the minus strand). VCF-style: chr21-34792164-G-C. GRCh37 (hg19) VCF-style: chr21-36164461-G-C.
Other names: c.1333C>G, p.Leu445Val (NM_001001890.3); short protein forms L472V, L445V.
Identifiers: ClinVar variation 3948859 (VCV003948859.1).